The following is an entry in ClinVar:

ClinVar aggregate classification (germline): Conflicting classifications of pathogenicity. Review status: criteria provided, conflicting classifications (1 of 4 stars). 13 submissions from 13 submitters: Uncertain significance (10); Likely benign (2). 1 of the submissions does not count toward it. Last evaluated 2026-01-05.

Conditions:
PALB2-related disorder. Also called: PALB2-related disorders; PALB2-related condition.
Familial pancreatic carcinoma. Identifiers: Orphanet 1333, MedGen C2931038, MONDO:0015278, OMIM 260350.
Hereditary cancer-predisposing syndrome. Also called: Neoplastic Syndromes, Hereditary; Tumor predisposition; Hereditary Cancer Syndrome; Hereditary neoplastic syndrome. Identifiers: Orphanet 140162, MedGen C0027672, MeSH D009386, MONDO:0015356.
Familial cancer of breast. Also called: hereditary breast carcinoma; Hereditary breast cancer; BREAST CANCER, FAMILIAL. Identifiers: Orphanet 227535, MedGen C0346153, MONDO:0016419, OMIM 114480. Disease mechanism: loss of function.

Allele frequency attached by ClinVar (database versions not stated): TOPMed below 0.00001; gnomAD exomes 0.00001.

Submissions (13):

Labcorp Genetics (formerly Invitae), Labcorp
Classification: Uncertain significance for Familial cancer of breast. Last evaluated: 2026-01-05. Review status: criteria provided, single submitter. Criteria: Invitae Variant Classification Sherloc (09022015). Collection method: clinical testing. Allele origin: germline.
Comment: This sequence change replaces arginine, which is basic and polar, with cysteine, which is neutral and slightly polar, at codon 663 of the PALB2 protein (p.Arg663Cys). This variant is present in population databases (rs62625277, gnomAD 0.006%). This missense change has been observed in individual(s) with colorectal cancer, breast and/or ovarian cancer (PMID: 26898890, 28135145, 28825143, 34196900). ClinVar contains an entry for this variant (Variation ID: 128125). Invitae Evidence Modeling of protein sequence and biophysical properties (such as structural, functional, and spatial information, amino acid conservation, physicochemical variation, residue mobility, and thermodynamic stability) indicates that this missense variant is not expected to disrupt PALB2 protein function with a negative predictive value of 80%. Experimental studies have shown that this missense change does not substantially affect PALB2 function (PMID: 35853885). In summary, the available evidence is currently insufficient to determine the role of this variant in disease. Therefore, it has been classified as a Variant of Uncertain Significance.

PreventionGenetics, part of Exact Sciences
Classification: Uncertain significance for PALB2-related condition. Last evaluated: 2025-09-07. Review status: criteria provided, single submitter. Criteria: ACMG Guidelines, 2015. Collection method: clinical testing. Allele origin: germline.
Comment: The PALB2 c.1987C>T variant is predicted to result in the amino acid substitution p.Arg663Cys. This variant has been reported in individuals with breast cancer (Supplemental Tables 3 and 14, Caminsky et al. 2016. PubMed ID: 26898890; Zhang et al. 2017. PubMed ID: 28825143; Supplemental Table 3, Ren et al. 2021. PubMed ID: 34196900) and in an individual with colorectal cancer (Table A4, Yurgelun et al. 2017. PubMed ID: 28135145). This variant is reported in 0.0065% of alleles in individuals of South Asian descent in gnomAD and has conflicting interpretations regarding its pathogenicity in ClinVar, ranging from likely benign to uncertain (Variation ID: 128125). At this time, the clinical significance of this variant is uncertain due to the absence of conclusive functional and genetic evidence.

Ambry Genetics
Classification: Likely benign for Hereditary cancer-predisposing syndrome. Last evaluated: 2025-07-10. Review status: criteria provided, single submitter. Criteria: Ambry Variant Classification Scheme 2023. Collection method: clinical testing. Allele origin: germline.

Baylor Genetics
Classification: Uncertain significance for Familial cancer of breast. Last evaluated: 2023-10-30. Review status: criteria provided, single submitter. Criteria: ACMG Guidelines, 2015. Collection method: clinical testing. Allele origin: unknown.

Blueprint Genetics
Classification: Uncertain significance. Last evaluated: 2023-10-26. Review status: criteria provided, single submitter. Criteria: ACMG Guidelines, 2015. Collection method: clinical testing. Allele origin: germline.

GeneDx
Classification: Uncertain significance. Last evaluated: 2023-09-11. Review status: criteria provided, single submitter. Criteria: GeneDx Variant Classification Process June 2021. Collection method: clinical testing. Allele origin: germline. Affected: yes.
Comment: Not observed at significant frequency in large population cohorts (gnomAD); In silico analysis supports that this missense variant has a deleterious effect on protein structure/function; Published functional studies demonstrate homology-directed repair activity similar to wildtype (Wu et al., 2022); This variant is associated with the following publications: (PMID: 26898890, 28825143, 28135145, 22941656, 35853885, 35171259)

Myriad Genetics, Inc.
Classification: Likely benign for Familial cancer of breast. Last evaluated: 2023-03-31. Review status: criteria provided, single submitter. Criteria: Myriad Autosomal Dominant, Autosomal Recessive and X-Linked Classification Criteria (2023). Collection method: clinical testing. Allele origin: unknown.
Comment: This variant is considered likely benign. This variant is strongly associated with less severe personal and family histories of cancer, typical for individuals without pathogenic variants in this gene [PMID: 25085752].

Women's Health and Genetics/Laboratory Corporation of America, LabCorp
Classification: Uncertain significance. Last evaluated: 2022-12-19. Review status: criteria provided, single submitter. Criteria: LabCorp Variant Classification Summary - May 2015. Collection method: clinical testing. Allele origin: germline.
Comment: Variant summary: PALB2 c.1987C>T (p.Arg663Cys) results in a non-conservative amino acid change in the encoded protein sequence. Three of five in-silico tools predict a damaging effect of the variant on protein function. The variant allele was found at a frequency of 1.2e-05 in 251402 control chromosomes. The available data on variant occurrences in the general population are insufficient to allow any conclusion about variant significance. c.1987C>T has been reported in the literature in individuals affected with Breast Cancer (Ren_2021, Zhang_2017 and Caminsky_2016) and Rectal Cancer (Yurgelun_2017) without strong evidence for causality. These reports do not provide unequivocal conclusions about association of the variant with Breast Cancer. Co-occurrences with other pathogenic variant(s) have been reported (BRCA2 c.8537_8538del, p.E2846Gfs*22), providing supporting evidence for a benign role. At least one functional study reports experimental evidence evaluating an impact on protein function and showed no damaging effect of this variant on homology directed repair (HDR) activity (e.g. Wu_2022). Seven clinical diagnostic laboratories have submitted clinical-significance assessments for this variant to ClinVar after 2014. All laboratories classified the variant as uncertain significance. Based on the evidence outlined above, the variant was classified as VUS - possibly benign.

Clinical Genetics Laboratory, Skane University Hospital Lund
Classification: Uncertain significance. Last evaluated: 2022-05-27. Review status: criteria provided, single submitter. Criteria: ACMG Guidelines, 2015. Collection method: clinical testing. Allele origin: germline. Affected: yes.

Color Diagnostics, LLC DBA Color Health
Classification: Uncertain significance for Hereditary cancer-predisposing syndrome. Last evaluated: 2021-09-17. Review status: criteria provided, single submitter. Criteria: ACMG Guidelines, 2015. Collection method: clinical testing. Allele origin: germline.
Comment: This missense variant replaces arginine with cysteine at codon 663 of the PALB2 protein. Computational prediction suggests that this variant may not impact protein structure and function (internally defined REVEL score threshold <= 0.5, PMID: 27666373). To our knowledge, functional studies have not been reported for this variant. This variant has been reported in an individual affected with breast cancer (PMID: 28825143). In a breast cancer case-control study, this variant has not shown a significant association with disease (PMID: 33471991 - Leiden Open Variation Database DB-ID PALB2_010651). This variant has been identified in 3/251402 chromosomes in the general population by the Genome Aggregation Database (gnomAD). The available evidence is insufficient to determine the role of this variant in disease conclusively. Therefore, this variant is classified as a Variant of Uncertain Significance.

Department of Pathology and Laboratory Medicine, Sinai Health System
Classification: Uncertain significance for Familial pancreatic carcinoma. Last evaluated: 2020-02-12. Review status: criteria provided, single submitter. Criteria: ACMG Guidelines, 2015. Collection method: clinical testing. Allele origin: germline. Affected: yes.

Centre for Mendelian Genomics, University Medical Centre Ljubljana
Classification: Uncertain significance for Familial cancer of breast. Last evaluated: 2016-01-01. Review status: criteria provided, single submitter. Criteria: ACMG Guidelines, 2015. Collection method: clinical testing. Allele origin: unknown. Affected: yes.
Comment: This variant was classified as: Uncertain significance.

Counsyl
Classification: Uncertain significance for Familial cancer of breast. Last evaluated: 2016-05-03. Review status: no assertion criteria provided. Collection method: clinical testing. Allele origin: unknown. Not counted in ClinVar's aggregate classification.

Literature cited by the submitters: PubMed 26898890 (cited by 4 submitters); PubMed 28135145 (cited by 4 submitters); PubMed 28825143 (cited by 5 submitters); PubMed 34196900 (cited by Labcorp Genetics (formerly Invitae), Labcorp and Women's Health and Genetics/Laboratory Corporation of America, LabCorp); PubMed 35853885 (cited by Labcorp Genetics (formerly Invitae), Labcorp and Women's Health and Genetics/Laboratory Corporation of America, LabCorp); PubMed 33471991 (cited by Ambry Genetics and Color Diagnostics, LLC DBA Color Health); PubMed 25085752 (cited by Myriad Genetics, Inc.).

NM_024675.4(PALB2):c.1987C>T (p.Arg663Cys)

Gene: PALB2 (partner and localizer of BRCA2; minus strand). Cytogenetic location: 16p12.2.
Variant type: single nucleotide variant.
Coding change: c.1987C>T on transcript NM_024675.4 (MANE Select); coding-DNA position 1987, C replaced by T.
Protein change: p.Arg663Cys; replaces arginine 663 with cysteine.
Molecular consequence: missense variant.
Genome position (GRCh38, 1-based): chr16:23,630,167, G>A on the plus strand (C>T on the coding strand, the complement: PALB2 is on the minus strand). VCF-style: chr16-23630167-G-A. GRCh37 (hg19) VCF-style: chr16-23641488-G-A.
Other names: p.R663C:CGC>TGC; short protein forms R663C.
Identifiers: ClinVar variation 128125 (VCV000128125.39), dbSNP rs62625277, ClinGen allele CA288422.
Genomic context (GRCh38, chr16:23,630,167, plus strand): 5'-GTGATTTTCCTGGTAGAACAATAAGGTCCTCTTCTAAGTCCTCCATTTCTGTATCCATGC[G>A]TTTAGGACTCAGTTCCTCTGGAAAAATACAGCTTCCCTCTTTAAGATGTCTCTCTCCAAA-3'
Protein context (NP_078951.2, residues 653-673): CIFPEELSPK[Arg663Cys]MDTEMEDLEE